The following is an entry in ClinVar:

ClinVar aggregate classification (germline): Uncertain significance (1 of 4 stars; one submission).

Conditions:
Hypertrophic cardiomyopathy 1 (CMH1). Also called: Familial hypertrophic cardiomyopathy 1; MYH7-Related Familial Hypertrophic Cardiomyopathy. Identifiers: MedGen C3495498, MONDO:0008647, OMIM 192600.

Submission:

Labcorp Genetics (formerly Invitae), Labcorp
Classification: Uncertain significance for Hypertrophic cardiomyopathy 1. Last evaluated: 2026-01-11. Review status: criteria provided, single submitter. Criteria: Invitae Variant Classification Sherloc (09022015). Collection method: clinical testing. Allele origin: germline.
Comment: This sequence change falls in intron 9 of the MYLK2 gene. It does not directly change the encoded amino acid sequence of the MYLK2 protein. This variant is not present in population databases (gnomAD no frequency). This variant has not been reported in the literature in individuals affected with MYLK2-related conditions. Algorithms developed to predict the effect of sequence changes on RNA splicing suggest that this variant may create or strengthen a splice site. In summary, the available evidence is currently insufficient to determine the role of this variant in disease. Therefore, it has been classified as a Variant of Uncertain Significance.

NM_033118.4(MYLK2):c.1295+10G>C

Gene: MYLK2 (myosin light chain kinase 2; plus strand). Cytogenetic location: 20q11.21.
Variant type: single nucleotide variant.
Coding change: c.1295+10G>C on transcript NM_033118.4 (MANE Select); 10 bases into the intron after coding-DNA position 1295, G replaced by C.
Molecular consequence: intron variant.
Genome position (GRCh38, 1-based): chr20:31,830,899, G>C. VCF-style: chr20-31830899-G-C. GRCh37 (hg19) VCF-style: chr20-30418702-G-C.
Identifiers: ClinVar variation 4774520 (VCV004774520.1).
Genomic context (GRCh38, chr20:31,830,899, plus strand): 5'-CAACACCACCGGGCATTTGGTGAAGATCATTGACTTTGGCCTGGCACGGAGGTACCACCT[G>C]GGTGGGTGGGGAGGGCAAGACAAGCCTCTGAGTTGGCAGGGGACAGGGGTGGGGTGGAGG-3'